The following is an entry in ClinVar:

ClinVar aggregate classification (germline): Uncertain significance. Review status: criteria provided, single submitter (1 of 4 stars). 2 submissions from 2 submitters: Uncertain significance (1). 1 of the submissions does not count toward it. Last evaluated 2022-07-26.

Conditions:
3-methylglutaconic aciduria type 9. Also called: 3-METHYLGLUTACONIC ACIDURIA, TYPE IX. Identifiers: Orphanet 505216, MedGen C4540171, MONDO:0044724, OMIM 617698.

Allele frequency attached by ClinVar (database versions not stated): TOPMed below 0.00001; ExAC 0.00001; gnomAD 0.00001; gnomAD exomes 0.00001 and 0.00002.
gnomAD v4.1: 34 of 1,613,980 alleles (0.0021%); highest among the groups gnomAD compares: Non-Finnish European, 0.0028%; no homozygotes.

Submissions (2):

Labcorp Genetics (formerly Invitae), Labcorp
Classification: Uncertain significance. Last evaluated: 2022-07-26. Review status: criteria provided, single submitter. Criteria: Invitae Variant Classification Sherloc (09022015). Collection method: clinical testing. Allele origin: germline.
Comment: This sequence change replaces arginine, which is basic and polar, with glutamine, which is neutral and polar, at codon 217 of the TIMM50 protein (p.Arg217Gln). This variant is present in population databases (rs778355943, gnomAD 0.003%). This missense change has been observed in individual(s) with clinical features of 3-methylglutaconic aciduria (PMID: 31058414). This variant is also known as c.341G>A p.Arg114Gln. ClinVar contains an entry for this variant (Variation ID: 1334174). Algorithms developed to predict the effect of missense changes on protein structure and function are either unavailable or do not agree on the potential impact of this missense change (SIFT: "Not Available"; PolyPhen-2: "Probably Damaging"; Align-GVGD: "Not Available"). This variant disrupts the p.Arg217 amino acid residue in TIMM50. Other variant(s) that disrupt this residue have been observed in individuals with TIMM50-related conditions (PMID: 27573165), which suggests that this may be a clinically significant amino acid residue. In summary, the available evidence is currently insufficient to determine the role of this variant in disease. Therefore, it has been classified as a Variant of Uncertain Significance.

OMIM
Classification: Pathogenic for 3-METHYLGLUTACONIC ACIDURIA, TYPE IX. Last evaluated: 2022-01-14. Review status: no assertion criteria provided. Collection method: literature only. Allele origin: germline. Not counted in ClinVar's aggregate classification.

Literature cited by the submitters: PubMed 31058414 (cited by Labcorp Genetics (formerly Invitae), Labcorp and OMIM); PubMed 27573165 (cited by Labcorp Genetics (formerly Invitae), Labcorp).

NM_001001563.5(TIMM50):c.341G>A (p.Arg114Gln)

Gene: TIMM50 (translocase of inner mitochondrial membrane 50; plus strand). Cytogenetic location: 19q13.2.
Variant type: single nucleotide variant.
Coding change: c.341G>A on transcript NM_001001563.5 (MANE Select); coding-DNA position 341, G replaced by A.
Protein change: p.Arg114Gln; replaces arginine 114 with glutamine.
Molecular consequence: missense variant. On other transcripts: intron variant (1).
Genome position (GRCh38, 1-based): chr19:39,485,571, G>A. VCF-style: chr19-39485571-G-A. GRCh37 (hg19) VCF-style: chr19-39976211-G-A.
Other names: c.34-117G>A (NM_001329559.2); short protein forms R114Q.
Identifiers: ClinVar variation 1334174 (VCV001334174.7), dbSNP rs778355943, ClinGen allele CA9431796.